The following is an entry in ClinVar:

ClinVar aggregate classification (germline): Likely benign. Review status: criteria provided, multiple submitters, no conflicts (2 of 4 stars). 2 submissions from 2 submitters: Likely benign (2). Last evaluated 2018-01-12.

Conditions:
Hypogonadotropic hypogonadism 24 without anosmia (HH24). Also called: HYPOGONADOTROPIC HYPOGONADISM 24 WITH OR WITHOUT ANOSMIA; Follicle-stimulating hormone deficiency, isolated. Identifiers: Orphanet 52901, MedGen C5574957, MONDO:0009239, OMIM 229070.

Allele frequency attached by ClinVar (database versions not stated): 1000 Genomes Project 0.01558; 1000 Genomes Project 30x 0.01655; gnomAD 0.02933 and 0.02948; TOPMed 0.03003.

Submissions (2):

Illumina Laboratory Services, Illumina
Classification: Likely benign for Hypogonadotropic hypogonadism 24 without anosmia. Last evaluated: 2018-01-12. Review status: criteria provided, single submitter. Criteria: ICSL Variant Classification Criteria 13 December 2019. Collection method: clinical testing. Allele origin: germline.
Comment: This variant was observed in the ICSL laboratory as part of a predisposition screen in an ostensibly healthy population. It had not been previously curated by ICSL or reported in the Human Gene Mutation Database (HGMD: prior to June 1st, 2018), and was therefore a candidate for classification through an automated scoring system. Utilizing variant allele frequency, disease prevalence and penetrance estimates, and inheritance mode, an automated score was calculated to assess if this variant is too frequent to cause the disease. Based on the score and internal cut-off values, a variant classified as likely benign is not then subjected to further curation. The score for this variant resulted in a classification of likely benign for this disease.

Breakthrough Genomics
Classification: Likely benign. Review status: criteria provided, single submitter. Criteria: ACMG Guidelines, 2015. Collection method: not provided. Allele origin: germline. Inheritance: Autosomal recessive inheritance. Affected: yes.

NM_001382289.1(FSHB):c.*948T>G

Genes: ARL14EP-DT (ARL14EP divergent transcript; minus strand), FSHB (follicle stimulating hormone subunit beta; plus strand). Cytogenetic location: 11p14.1.
Variant type: single nucleotide variant.
Coding change: c.*948T>G on transcript NM_001382289.1 (MANE Select); 948 bases downstream of the stop codon, T replaced by G.
Molecular consequence: 3 prime UTR variant.
Genome position (GRCh38, 1-based): chr11:30,234,748, T>G. VCF-style: chr11-30234748-T-G. GRCh37 (hg19) VCF-style: chr11-30256295-T-G.
Other names: c.*948T>G (NM_000510.4, NM_001018080.3).
Identifiers: ClinVar variation 304287 (VCV000304287.6), dbSNP rs78946483, ClinGen allele CA10638886.
Genomic context (GRCh38, chr11:30,234,748, plus strand): 5'-ACAAAGGATTTGAAAGTAGGTTTGAAAGCAGTTTCAGCAATTTAATAAATATAATTAATT[T>G]GTCTACAAATATATTTGTATAAATAAATAGCTCCTTTAGAAAGAATTAGCCATGGGGGAC-3'